The following is an entry in ClinVar:

NM_004655.4(AXIN2):c.185T>A (p.Leu62Ter)

Gene: AXIN2 (axin 2; minus strand). Cytogenetic location: 17q24.1.
Variant type: single nucleotide variant.
Coding change: c.185T>A on transcript NM_004655.4 (MANE Select); coding-DNA position 185, T replaced by A.
Protein change: p.Leu62Ter; replaces leucine 62 with a stop codon.
Molecular consequence: nonsense.
Genome position (GRCh38, 1-based): chr17:65,558,436, A>T on the plus strand (T>A on the coding strand, the complement: AXIN2 is on the minus strand). VCF-style: chr17-65558436-A-T. GRCh37 (hg19) VCF-style: chr17-63554554-A-T.
Other names: c.185T>A, p.Leu62Ter (NM_001363813.1); short protein forms L62*.
Identifiers: ClinVar variation 4533389 (VCV004533389.1).

ClinVar aggregate classification (germline): Pathogenic (1 of 4 stars; one submission).

Conditions:
Colorectal cancer. Also called: Colorectal cancer, somatic; Malignant Colorectal Neoplasm. Identifiers: MedGen C0346629, MONDO:0005575, OMIM 114500.

Submission:

University of Washington Department of Laboratory Medicine, University of Washington
Classification: Pathogenic for Colorectal cancer. Last evaluated: 2025-11-20. Review status: criteria provided, single submitter. Criteria: Shirts BH et al. (Am J Hum Genet 2018). Collection method: clinical testing. Allele origin: de novo. Affected: yes.
Comment: We classify the AXIN2 c.185T>A (p.Leu62*) variant as pathogenic based on internal evidence. The presence of a truncating variant and polyp-specific somatic second hits in AXIN2 is highly consistent with the expected two-hit mechanism for tumorigenesis in AXIN2-associated conditions. These findings provide evidence of biallelic inactivation in the tumors and support PS3_supporting. The use of tumor molecular features, including somatic second hits, to inform germline variant interpretation is supported in the literature (Shirts et al., 2018. Genet Med. PMID: 29887214). As this variant arose as a de novo event in the tumor, this observation also supports application of PS2. This nonsense variant introduces a premature termination codon at amino acid position 62, predicted to result in loss of normal AXIN2 function through nonsense-mediated mRNA decay. Truncating loss-of-function variants in AXIN2 are a well-established mechanism underlying AXIN2-associated oligodontia-colorectal cancer syndrome, a dominantly inherited condition characterized by increased risks for adenomatous polyposis and colorectal cancer. The p.Leu62* variant is absent from large population databases, including gnomAD v4.0.0, meeting PM2_supporting. As a predicted loss-of-function variant in a gene where loss of function is a known disease mechanism, this variant also meets PVS1_supporting. The individual's phenotype of adenomatous polyposis is strongly associated with pathogenic AXIN2 variants. AXIN2 functions as a negative regulator of the WNT signaling pathway, and biallelic inactivation within colorectal polyps is consistent with the molecular profile expected for AXIN2-mediated tumor predisposition. The identification of concordant somatic second hits in multiple polyps further strengthens the association between the variant and the disease phenotype, supporting PP4. Together, the predicted loss-of-function effect, absence from population databases, tumor evidence of biallelic AXIN2 inactivation, and phenotype consistent with AXIN2-related polyposis support a pathogenic classification for the AXIN2 c.185T>A (p.Leu62*) variant.